The following is an entry in ClinVar:

NM_000238.4(KCNH2):c.2698dup (p.Glu900fs)

Gene: KCNH2 (potassium voltage-gated channel subfamily H member 2; minus strand). Cytogenetic location: 7q36.1.
Variant type: Duplication.
Coding change: c.2698dup on transcript NM_000238.4 (MANE Select); coding-DNA position 2698, one base duplicated (G; older notation c.2698dupG).
Protein change: p.Glu900fs; shifts the reading frame from glutamic acid 900.
Molecular consequence: frameshift variant.
Genome position (GRCh38, 1-based): chr7:150,947,873, C duplicated on the plus strand (G on the coding strand, the reverse complement: KCNH2 is on the minus strand); the first of 2 consecutive C bases (chr7:150,947,873-150,947,874); duplicating either gives the same sequence. VCF-style (leftmost placement, unchanged base first): chr7-150947872-T-TC. GRCh37 (hg19) VCF-style: chr7-150644960-T-TC.
Other names: c.2409dup, p.Glu804Glyfs (NM_001406753.1); c.1678dup, p.Glu560fs (NM_172057.3); short protein forms E560fs, E900fs.
Identifiers: ClinVar variation 2085464 (VCV002085464.4), dbSNP rs2486008796, ClinGen allele CA2580077751.

ClinVar aggregate classification (germline): Pathogenic (1 of 4 stars; one submission).

Conditions:
Long QT syndrome (LQTS). Identifiers: MedGen C0023976, MeSH D008133, MONDO:0002442. Disease mechanism: loss of function. Inheritance: Various modes of inheritance.

Submission:

Labcorp Genetics (formerly Invitae), Labcorp
Classification: Pathogenic for Long QT syndrome. Last evaluated: 2023-07-07. Review status: criteria provided, single submitter. Criteria: Invitae Variant Classification Sherloc (09022015). Collection method: clinical testing. Allele origin: germline.
Comment: This variant has not been reported in the literature in individuals affected with KCNH2-related conditions. This sequence change creates a premature translational stop signal (p.Glu900Glyfs*20) in the KCNH2 gene. It is expected to result in an absent or disrupted protein product. Loss-of-function variants in KCNH2 are known to be pathogenic (PMID: 10973849, 19862833). This variant is not present in population databases (gnomAD no frequency). ClinVar contains an entry for this variant (Variation ID: 2085464). For these reasons, this variant has been classified as Pathogenic.

Literature cited by the submitters: PubMed 10973849; PubMed 19862833.